The following is an entry in ClinVar:

NM_201384.3(PLEC):c.6133A>G (p.Lys2045Glu)

Gene: PLEC (plectin; minus strand). Cytogenetic location: 8q24.3.
Variant type: single nucleotide variant.
Coding change: c.6133A>G on transcript NM_201384.3 (MANE Select); coding-DNA position 6133, A replaced by G.
Protein change: p.Lys2045Glu; replaces lysine 2045 with glutamic acid.
Molecular consequence: missense variant.
Genome position (GRCh38, 1-based): chr8:143,923,796, T>C on the plus strand (A>G on the coding strand, the complement: PLEC is on the minus strand). VCF-style: chr8-143923796-T-C. GRCh37 (hg19) VCF-style: chr8-144997964-T-C.
Other names: c.6214A>G, p.Lys2072Glu (NM_000445.5); c.6091A>G, p.Lys2031Glu (NM_201378.4); c.6067A>G, p.Lys2023Glu (NM_201379.3); c.6544A>G, p.Lys2182Glu (NM_201380.4); c.6037A>G, p.Lys2013Glu (NM_201381.3); c.6133A>G, p.Lys2045Glu (NM_201382.4); c.6145A>G, p.Lys2049Glu (NM_201383.3); short protein forms K2049E, K2013E, K2045E, K2182E, K2023E, K2072E, K2031E.
Identifiers: ClinVar variation 2114954 (VCV002114954.4), dbSNP rs2537797573, ClinGen allele CA372538773.

ClinVar aggregate classification (germline): Uncertain significance (1 of 4 stars; one submission).

Conditions:
Epidermolysis bullosa simplex, Ogna type (EBS5A). Also called: Pidermolysis bullosa simplex 5A, Ogna type; EPIDERMOLYSIS BULLOSA SIMPLEX 5A, OGNA TYPE. Identifiers: Orphanet 79401, MedGen C0432317, MONDO:0007555, OMIM 131950.
Epidermolysis bullosa simplex with nail dystrophy (EBS5D). Identifiers: MedGen C4225309, MONDO:0014661, OMIM 616487.
Epidermolysis bullosa simplex 5C, with pyloric atresia (EBS5C). Also called: PLEC-Related Epidermolysis Bullosa with Pyloric Atresia; Epidermolysis bullosa simplex with pyloric atresia; PLEC1-Related Epidermolysis Bullosa with Pyloric Atresia. Identifiers: Orphanet 158684, MedGen C2677349, MONDO:0012807, OMIM 612138.
Epidermolysis bullosa simplex 5B, with muscular dystrophy (EBS5B). Also called: EPIDERMOLYSIS BULLOSA SIMPLEX AND LIMB-GIRDLE MUSCULAR DYSTROPHY; Epidermolysis bullosa simplex with muscular dystrophy. Identifiers: Orphanet 257, MedGen C2931072, MONDO:0009181, OMIM 226670.
Autosomal recessive limb-girdle muscular dystrophy type 2Q (LGMDR17). Also called: MUSCULAR DYSTROPHY, LIMB-GIRDLE, AUTOSOMAL RECESSIVE 17. Identifiers: Orphanet 254361, MedGen C3150989, MONDO:0013390, OMIM 613723.

Submission:

Labcorp Genetics (formerly Invitae), Labcorp
Classification: Uncertain significance for Autosomal recessive limb-girdle muscular dystrophy type 2Q; Epidermolysis bullosa simplex, Ogna type; Epidermolysis bullosa simplex with nail dystrophy; Epidermolysis bullosa simplex 5C, with pyloric atresia; Epidermolysis bullosa simplex 5B, with muscular dystrophy. Last evaluated: 2022-07-14. Review status: criteria provided, single submitter. Criteria: Invitae Variant Classification Sherloc (09022015). Collection method: clinical testing. Allele origin: germline.
Comment: This sequence change replaces lysine, which is basic and polar, with glutamic acid, which is acidic and polar, at codon 2072 of the PLEC protein (p.Lys2072Glu). This variant is not present in population databases (gnomAD no frequency). This variant has not been reported in the literature in individuals affected with PLEC-related conditions. Algorithms developed to predict the effect of missense changes on protein structure and function are either unavailable or do not agree on the potential impact of this missense change (SIFT: "Deleterious"; PolyPhen-2: "Benign"; Align-GVGD: "Class C0"). In summary, the available evidence is currently insufficient to determine the role of this variant in disease. Therefore, it has been classified as a Variant of Uncertain Significance.